The following is an entry in ClinVar:

NM_020937.4(FANCM):c.1697G>A (p.Ser566Asn)

Gene: FANCM (FA complementation group M; plus strand). Cytogenetic location: 14q21.2.
Variant type: single nucleotide variant.
Coding change: c.1697G>A on transcript NM_020937.4 (MANE Select); coding-DNA position 1697, G replaced by A.
Protein change: p.Ser566Asn; replaces serine 566 with asparagine.
Molecular consequence: missense variant.
Genome position (GRCh38, 1-based): chr14:45,164,474, G>A. VCF-style: chr14-45164474-G-A. GRCh37 (hg19) VCF-style: chr14-45633677-G-A.
Other names: c.1619G>A, p.Ser540Asn (NM_001308133.2); c.1697G>A, p.Ser566Asn (NM_001308134.2); short protein forms S540N, S566N.
Identifiers: ClinVar variation 3370891 (VCV003370891.1).

ClinVar aggregate classification (germline): Uncertain significance (1 of 4 stars; one submission).

gnomAD v4.1: 3 of 1,613,448 alleles (0.00019%); highest among the groups gnomAD compares: Non-Finnish European, 0.00025%; no homozygotes.

Submission:

GeneDx
Classification: Uncertain significance. Last evaluated: 2024-03-12. Review status: criteria provided, single submitter. Criteria: GeneDx Variant Classification Process June 2021. Collection method: clinical testing. Allele origin: germline. Affected: yes.
Comment: Not observed at significant frequency in large population cohorts (gnomAD); In silico analysis supports that this missense variant does not alter protein structure/function; Has not been previously published as pathogenic or benign to our knowledge